The following is an entry in ClinVar:

NM_001042492.3(NF1):c.6985A>G (p.Asn2329Asp)

Gene: NF1 (neurofibromin 1; plus strand). Cytogenetic location: 17q11.2.
Variant type: single nucleotide variant.
Coding change: c.6985A>G on transcript NM_001042492.3 (MANE Select); coding-DNA position 6985, A replaced by G.
Protein change: p.Asn2329Asp; replaces asparagine 2329 with aspartic acid.
Molecular consequence: missense variant.
Genome position (GRCh38, 1-based): chr17:31,340,568, A>G. VCF-style: chr17-31340568-A-G. GRCh37 (hg19) VCF-style: chr17-29667586-A-G.
Other names: c.6922A>G, p.Asn2308Asp (NM_000267.4); short protein forms N2329D, N2308D.
Identifiers: ClinVar variation 826708 (VCV000826708.10), dbSNP rs1597848075, ClinGen allele CA399014975.
Genomic context (GRCh38, chr17:31,340,568, plus strand): 5'-TCGCCTCTGCACAAAGCCCTCTTTTGGGTAGCTGTGGCTGTGCTGCAGCTTGATGAGGTC[A>G]ACTTGTATTCAGCAGGTACCGCACTTCTTGAACAAAACCTGCATACTTTAGATAGTCTCC-3'
Protein context (NP_001035957.1, residues 2319-2339): AVAVLQLDEV[Asn2329Asp]LYSAGTALLE

ClinVar aggregate classification (germline): Conflicting classifications of pathogenicity. Review status: criteria provided, conflicting classifications (1 of 4 stars). 2 submissions from 2 submitters: Uncertain significance (1); Likely benign (1). Last evaluated 2026-05-26.

Conditions:
Hereditary cancer-predisposing syndrome. Also called: Tumor predisposition; Neoplastic Syndromes, Hereditary; Hereditary neoplastic syndrome; Hereditary Cancer Syndrome. Identifiers: Orphanet 140162, MedGen C0027672, MeSH D009386, MONDO:0015356.
Cardiovascular phenotype. Identifiers: MedGen CN230736.
Neurofibromatosis, type 1 (NF1). Also called: Peripheral type neurofibromatosis; Neurofibromatosis, type I; NEUROFIBROMATOSIS, TYPE I, SOMATIC; VON RECKLINGHAUSEN DISEASE. Identifiers: Orphanet 636, MedGen C0027831, MONDO:0018975, OMIM 162200. Disease mechanism: loss of function.

Submissions (2):

Ambry Genetics
Classification: Likely benign for Cardiovascular phenotype; Hereditary cancer-predisposing syndrome. Last evaluated: 2026-05-26. Review status: criteria provided, single submitter. Criteria: Ambry Variant Classification Scheme 2023. Collection method: clinical testing. Allele origin: germline.

Labcorp Genetics (formerly Invitae), Labcorp
Classification: Uncertain significance for Neurofibromatosis, type 1. Last evaluated: 2022-05-03. Review status: criteria provided, single submitter. Criteria: Invitae Variant Classification Sherloc (09022015). Collection method: clinical testing. Allele origin: germline.
Comment: In summary, the available evidence is currently insufficient to determine the role of this variant in disease. Therefore, it has been classified as a Variant of Uncertain Significance. Advanced modeling of protein sequence and biophysical properties (such as structural, functional, and spatial information, amino acid conservation, physicochemical variation, residue mobility, and thermodynamic stability) performed at Invitae indicates that this missense variant is not expected to disrupt NF1 protein function. ClinVar contains an entry for this variant (Variation ID: 826708). This variant has not been reported in the literature in individuals affected with NF1-related conditions. This variant is not present in population databases (gnomAD no frequency). This sequence change replaces asparagine, which is neutral and polar, with aspartic acid, which is acidic and polar, at codon 2308 of the NF1 protein (p.Asn2308Asp).